The following is an entry in ClinVar:

NM_000383.4(AIRE):c.1312G>A (p.Gly438Arg)

Gene: AIRE (autoimmune regulator; plus strand). Cytogenetic location: 21q22.3.
Variant type: single nucleotide variant.
Coding change: c.1312G>A on transcript NM_000383.4 (MANE Select); coding-DNA position 1312, G replaced by A.
Protein change: p.Gly438Arg; replaces glycine 438 with arginine.
Molecular consequence: missense variant.
Genome position (GRCh38, 1-based): chr21:44,293,822, G>A. VCF-style: chr21-44293822-G-A. GRCh37 (hg19) VCF-style: chr21-45713705-G-A.
Other names: short protein forms G438R.
Identifiers: ClinVar variation 1343475 (VCV001343475.3), dbSNP rs553396434, ClinGen allele CA10052057.

ClinVar aggregate classification (germline): Uncertain significance. Review status: criteria provided, multiple submitters, no conflicts (2 of 4 stars). 2 submissions from 2 submitters: Uncertain significance (2). Last evaluated 2024-08-23.

Conditions:
Polyglandular autoimmune syndrome, type 1 (APS1). Also called: HYPOADRENOCORTICISM WITH HYPOPARATHYROIDISM AND SUPERFICIAL MONILIASIS; Whitaker syndrome; AUTOIMMUNE POLYENDOCRINE SYNDROME, TYPE I, WITH OR WITHOUT REVERSIBLE METAPHYSEAL DYSPLASIA; Autoimmune polyendocrine syndrome type 1; Autoimmune polyendocrinopathy syndrome, type I; Autoimmune polyendocrinopathy syndrome , type I, with or without reversible metaphyseal dysplasia. Identifiers: Orphanet 3453, MedGen C0085859, MONDO:0009411, OMIM 240300.

Allele frequency attached by ClinVar (database versions not stated): gnomAD exomes 0.00004 and 0.00008; ExAC 0.00005; TOPMed 0.00005; gnomAD 0.00015 and 0.00017; 1000 Genomes Project 30x 0.00031; 1000 Genomes Project 0.00040.
gnomAD v4.1: 80 of 1,596,824 alleles (0.005%); highest among the groups gnomAD compares: Admixed American, 0.047%; no homozygotes.

Submissions (2):

Labcorp Genetics (formerly Invitae), Labcorp
Classification: Uncertain significance for Polyglandular autoimmune syndrome, type 1. Last evaluated: 2024-08-23. Review status: criteria provided, single submitter. Criteria: Invitae Variant Classification Sherloc (09022015). Collection method: clinical testing. Allele origin: germline.
Comment: This sequence change replaces glycine, which is neutral and non-polar, with arginine, which is basic and polar, at codon 438 of the AIRE protein (p.Gly438Arg). This variant is present in population databases (rs553396434, gnomAD 0.03%). This variant has not been reported in the literature in individuals affected with AIRE-related conditions. ClinVar contains an entry for this variant (Variation ID: 1343475). Invitae Evidence Modeling of protein sequence and biophysical properties (such as structural, functional, and spatial information, amino acid conservation, physicochemical variation, residue mobility, and thermodynamic stability) indicates that this missense variant is not expected to disrupt AIRE protein function with a negative predictive value of 95%. In summary, the available evidence is currently insufficient to determine the role of this variant in disease. Therefore, it has been classified as a Variant of Uncertain Significance.

Women's Health and Genetics/Laboratory Corporation of America, LabCorp
Classification: Uncertain significance. Last evaluated: 2022-02-17. Review status: criteria provided, single submitter. Criteria: LabCorp Variant Classification Summary - May 2015. Collection method: clinical testing. Allele origin: germline.